The following is an entry in ClinVar:

ClinVar aggregate classification (germline): Uncertain significance (1 of 4 stars; one submission).

Conditions:
Propionic acidemia (PROP). Also called: GLYCINEMIA, KETOTIC; HYPERGLYCINEMIA WITH KETOACIDOSIS AND LEUKOPENIA; KETOTIC HYPERGLYCINEMIA. Identifiers: Orphanet 35, MedGen C0268579, MONDO:0011628, OMIM 606054, HP:0003571.

Allele frequency attached by ClinVar (database versions not stated): gnomAD exomes below 0.00001.
gnomAD v4.1: 3 of 1,613,388 alleles (0.00019%); highest among the groups gnomAD compares: Non-Finnish European, 0.00025%; no homozygotes.

Submission:

Labcorp Genetics (formerly Invitae), Labcorp
Classification: Uncertain significance for Propionic acidemia. Last evaluated: 2022-02-27. Review status: criteria provided, single submitter. Criteria: Invitae Variant Classification Sherloc (09022015). Collection method: clinical testing. Allele origin: germline.
Comment: This sequence change replaces proline, which is neutral and non-polar, with leucine, which is neutral and non-polar, at codon 166 of the PCCA protein (p.Pro166Leu). This variant is not present in population databases (gnomAD no frequency). This variant has not been reported in the literature in individuals affected with PCCA-related conditions. Advanced modeling of protein sequence and biophysical properties (such as structural, functional, and spatial information, amino acid conservation, physicochemical variation, residue mobility, and thermodynamic stability) performed at Invitae indicates that this missense variant is expected to disrupt PCCA protein function. In summary, the available evidence is currently insufficient to determine the role of this variant in disease. Therefore, it has been classified as a Variant of Uncertain Significance.

NM_000282.4(PCCA):c.497C>T (p.Pro166Leu)

Gene: PCCA (propionyl-CoA carboxylase subunit alpha; plus strand). Cytogenetic location: 13q32.3.
Variant type: single nucleotide variant.
Coding change: c.497C>T on transcript NM_000282.4 (MANE Select); coding-DNA position 497, C replaced by T.
Protein change: p.Pro166Leu; replaces proline 166 with leucine.
Molecular consequence: missense variant. On other transcripts: 5 prime UTR variant (3), non-coding transcript variant (5).
Genome position (GRCh38, 1-based): chr13:100,209,360, C>T. VCF-style: chr13-100209360-C-T. GRCh37 (hg19) VCF-style: chr13-100861614-C-T.
Other names: c.419C>T, p.Pro140Leu (NM_001127692.3, NM_001352607.2, NM_001352608.2); c.497C>T, p.Pro166Leu (NM_001178004.2, NM_001352605.2, NM_001352606.2 and 1 more transcripts); c.-370C>T (NM_001352610.2, NM_001352611.2, NM_001352612.2); short protein forms P140L, P166L.
Identifiers: ClinVar variation 2017732 (VCV002017732.4), dbSNP rs2547726580, ClinGen allele CA388693312.